The following is an entry in ClinVar:

NM_015378.4(VPS13D):c.3149C>G (p.Ala1050Gly)

Gene: VPS13D (vacuolar protein sorting 13 homolog D; plus strand). Cytogenetic location: 1p36.22.
Variant type: single nucleotide variant.
Coding change: c.3149C>G on transcript NM_015378.4 (MANE Select); coding-DNA position 3149, C replaced by G.
Protein change: p.Ala1050Gly; replaces alanine 1050 with glycine.
Molecular consequence: missense variant.
Genome position (GRCh38, 1-based): chr1:12,276,737, C>G. VCF-style: chr1-12276737-C-G. GRCh37 (hg19) VCF-style: chr1-12336794-C-G.
Other names: p.Ala1050Gly; c.3149C>G, p.Ala1050Gly (NM_018156.4); short protein forms A1050G.
Identifiers: ClinVar variation 4540687 (VCV004540687.1).

ClinVar aggregate classification (germline): Uncertain significance (1 of 4 stars; one submission).

gnomAD v4.1: 1 of 1,614,106 alleles (0.000062%); highest among the groups gnomAD compares: Non-Finnish European, 0.000085%; no homozygotes.

Submission:

Mayo Clinic Laboratories, Mayo Clinic
Classification: Uncertain significance. Last evaluated: 2025-03-11. Review status: criteria provided, single submitter. Criteria: ACMG Guidelines, 2015. Collection method: clinical testing. Allele origin: germline. Observed: 1 variant allele.
Comment: BP4_strong